The following is an entry in ClinVar:

NM_006206.6(PDGFRA):c.566G>A (p.Cys189Tyr)

Gene: PDGFRA (platelet derived growth factor receptor alpha; plus strand). Cytogenetic location: 4q12.
Variant type: single nucleotide variant.
Coding change: c.566G>A on transcript NM_006206.6 (MANE Select); coding-DNA position 566, G replaced by A.
Protein change: p.Cys189Tyr; replaces cysteine 189 with tyrosine.
Molecular consequence: missense variant.
Genome position (GRCh38, 1-based): chr4:54,263,865, G>A. VCF-style: chr4-54263865-G-A. GRCh37 (hg19) VCF-style: chr4-55130032-G-A.
Other names: c.566G>A, p.Cys189Tyr (NM_001347827.2, NM_001347829.2); c.641G>A, p.Cys214Tyr (NM_001347828.2); c.605G>A, p.Cys202Tyr (NM_001347830.2); short protein forms C202Y, C189Y, C214Y.
Identifiers: ClinVar variation 5026399 (VCV005026399.1).

ClinVar aggregate classification (germline): Uncertain significance (1 of 4 stars; one submission).

Conditions:
Hereditary cancer-predisposing syndrome. Also called: Neoplastic Syndromes, Hereditary; Tumor predisposition; Hereditary neoplastic syndrome; Hereditary Cancer Syndrome. Identifiers: Orphanet 140162, MedGen C0027672, MeSH D009386, MONDO:0015356.

Submission:

Ambry Genetics
Classification: Uncertain significance for Hereditary cancer-predisposing syndrome. Last evaluated: 2026-06-18. Review status: criteria provided, single submitter. Criteria: Ambry Variant Classification Scheme 2023. Collection method: clinical testing. Allele origin: germline.
Comment: The p.C189Y variant (also known as c.566G>A), located in coding exon 3 of the PDGFRA gene, results from a G to A substitution at nucleotide position 566. The cysteine at codon 189 is replaced by tyrosine, an amino acid with highly dissimilar properties. This amino acid position is conserved. In addition, this alteration is predicted to be deleterious by in silico analysis. Based on the available evidence, the clinical significance of this variant remains unclear.